The following is an entry in ClinVar:

NM_017802.4(DNAAF5):c.2425A>G (p.Ile809Val)

Gene: DNAAF5 (dynein axonemal assembly factor 5; plus strand). Cytogenetic location: 7p22.3.
Variant type: single nucleotide variant.
Coding change: c.2425A>G on transcript NM_017802.4 (MANE Select); coding-DNA position 2425, A replaced by G.
Protein change: p.Ile809Val; replaces isoleucine 809 with valine.
Molecular consequence: missense variant. On other transcripts: non-coding transcript variant (1).
Genome position (GRCh38, 1-based): chr7:780,138, A>G. VCF-style: chr7-780138-A-G. GRCh37 (hg19) VCF-style: chr7-819775-A-G.
Other names: short protein forms I809V.
Identifiers: ClinVar variation 525275 (VCV000525275.9), dbSNP rs563633198, ClinGen allele CA152356947.

ClinVar aggregate classification (germline): Conflicting classifications of pathogenicity. Review status: criteria provided, conflicting classifications (1 of 4 stars). 2 submissions from 2 submitters: Uncertain significance (1); Likely benign (1). Last evaluated 2025-08-24.

Conditions:
Primary ciliary dyskinesia. Also called: Ciliary dyskinesia. Identifiers: Orphanet 244, MedGen C0008780, MONDO:0016575, HP:0012265.

Allele frequency attached by ClinVar (database versions not stated): gnomAD exomes 0.00001 and 0.00002; TOPMed 0.00002; gnomAD 0.00007.
gnomAD v4.1: 52 of 1,613,282 alleles (0.0032%); highest among the groups gnomAD compares: African/African-American, 0.016%; no homozygotes.

Submissions (2):

Ambry Genetics
Classification: Likely benign for Primary ciliary dyskinesia. Last evaluated: 2025-08-24. Review status: criteria provided, single submitter. Criteria: Ambry Variant Classification Scheme 2023. Collection method: clinical testing. Allele origin: germline.

Labcorp Genetics (formerly Invitae), Labcorp
Classification: Uncertain significance for Primary ciliary dyskinesia. Last evaluated: 2025-05-27. Review status: criteria provided, single submitter. Criteria: Invitae Variant Classification Sherloc (09022015). Collection method: clinical testing. Allele origin: germline.
Comment: This sequence change replaces isoleucine, which is neutral and non-polar, with valine, which is neutral and non-polar, at codon 809 of the DNAAF5 protein (p.Ile809Val). This variant is present in population databases (rs563633198, gnomAD 0.008%). This missense change has been observed in individual(s) with clinical features of primary ciliary dyskinesia (internal data). ClinVar contains an entry for this variant (Variation ID: 525275). Invitae Evidence Modeling of protein sequence and biophysical properties (such as structural, functional, and spatial information, amino acid conservation, physicochemical variation, residue mobility, and thermodynamic stability) indicates that this missense variant is not expected to disrupt DNAAF5 protein function with a negative predictive value of 80%. In summary, the available evidence is currently insufficient to determine the role of this variant in disease. Therefore, it has been classified as a Variant of Uncertain Significance.